The following is an entry in ClinVar:

ClinVar aggregate classification (germline): Uncertain significance (1 of 4 stars; one submission).

Submission:

Ambry Genetics
Classification: Uncertain significance. Last evaluated: 2025-12-20. Review status: criteria provided, single submitter. Criteria: Ambry Variant Classification Scheme 2023. Collection method: clinical testing. Allele origin: germline.
Comment: The p.E1376Q variant (also known as c.4126G>C), located in coding exon 11 of the MLH3 gene, results from a G to C substitution at nucleotide position 4126. The glutamic acid at codon 1376 is replaced by glutamine, an amino acid with highly similar properties. This amino acid position is conserved. In addition, the in silico prediction for this alteration is inconclusive. Since supporting evidence is limited at this time, the clinical significance of this alteration remains unclear.

NM_001040108.2(MLH3):c.4126G>C (p.Glu1376Gln)

Gene: MLH3 (mutL homolog 3; minus strand). Cytogenetic location: 14q24.3.
Variant type: single nucleotide variant.
Coding change: c.4126G>C on transcript NM_001040108.2 (MANE Select); coding-DNA position 4126, G replaced by C.
Protein change: p.Glu1376Gln; replaces glutamic acid 1376 with glutamine.
Molecular consequence: missense variant.
Genome position (GRCh38, 1-based): chr14:75,018,945, C>G on the plus strand (G>C on the coding strand, the complement: MLH3 is on the minus strand). VCF-style: chr14-75018945-C-G. GRCh37 (hg19) VCF-style: chr14-75485648-C-G.
Other names: c.4054G>C, p.Glu1352Gln (NM_014381.3); short protein forms E1376Q, E1352Q.
Identifiers: ClinVar variation 2563542 (VCV002563542.3), dbSNP rs1890084441, ClinGen allele CA390420069.